The following is an entry in ClinVar:

NM_001348716.2(KDM6B):c.3879+1dup

Genes: KDM6B (lysine demethylase 6B; plus strand), LOC121587574 (Sharpr-MPRA regulatory region 3930; plus strand). Cytogenetic location: 17p13.1.
Variant type: Duplication.
Coding change: c.3879+1dup on transcript NM_001348716.2 (MANE Select); the canonical splice donor site of the intron after coding-DNA position 3879, one base duplicated (G; older notation c.3879+1dupG).
Molecular consequence: splice donor variant.
Genome position (GRCh38, 1-based): chr17:7,851,227, G duplicated; the last of 2 consecutive G bases (chr17:7,851,226-7,851,227); duplicating either gives the same sequence. VCF-style (leftmost placement, unchanged base first): chr17-7851225-A-AG. GRCh37 (hg19) VCF-style: chr17-7754543-A-AG.
Other names: c.3879+1dup (NM_001080424.2).
Identifiers: ClinVar variation 3256576 (VCV003256576.1).

ClinVar aggregate classification (germline): Uncertain significance (1 of 4 stars; one submission).

Conditions:
Neurodevelopmental disorder with coarse facies and mild distal skeletal abnormalities. Also called: STOLERMAN NEURODEVELOPMENTAL SYNDROME. Identifiers: MedGen C5193134, MONDO:0032790, OMIM 618505.

Submission:

Laboratory of Medical Genetics, National & Kapodistrian University of Athens
Classification: Uncertain significance for Neurodevelopmental disorder with coarse facies and mild distal skeletal abnormalities. Last evaluated: 2024-01-29. Review status: criteria provided, single submitter. Criteria: ACMG Guidelines, 2015. Collection method: clinical testing. Allele origin: de novo. Affected: yes.
Comment: PVS1, PM2, BS2 - The variant is expected to result in an absent or disrupted protein product. Low frequency in gnomAD population databases.